The following is an entry in ClinVar:

ClinVar aggregate classification (germline): Uncertain significance. Review status: criteria provided, multiple submitters, no conflicts (2 of 4 stars). 3 submissions from 3 submitters: Uncertain significance (3). Last evaluated 2025-12-24.

Conditions:
Hereditary pheochromocytoma and paraganglioma. Also called: Hereditary pheochromocytoma-paraganglioma; Hereditary paragangliomas and pheochromocytomas; Hereditary Paraganglioma-Pheochromocytoma Syndromes. Identifiers: Orphanet 29072, MedGen C4274332, MONDO:0017366.
Hereditary cancer-predisposing syndrome. Also called: Hereditary Cancer Syndrome; Tumor predisposition; Neoplastic Syndromes, Hereditary; Hereditary neoplastic syndrome. Identifiers: Orphanet 140162, MedGen C0027672, MeSH D009386, MONDO:0015356.
Pheochromocytoma. Also called: MAX-Related Hereditary Paraganglioma-Pheochromocytoma Syndrome. Identifiers: Orphanet 29072, MedGen C0031511, MONDO:0008233, OMIM 171300, HP:0002666.

gnomAD v4.1: 1 of 1,614,236 alleles (0.000062%); no homozygotes.

Submissions (3):

Labcorp Genetics (formerly Invitae), Labcorp
Classification: Uncertain significance for Hereditary pheochromocytoma and paraganglioma. Last evaluated: 2025-12-24. Review status: criteria provided, single submitter. Criteria: Invitae Variant Classification Sherloc (09022015). Collection method: clinical testing. Allele origin: germline.
Comment: This sequence change replaces threonine, which is neutral and polar, with isoleucine, which is neutral and non-polar, at codon 89 of the TMEM127 protein (p.Thr89Ile). This variant is not present in population databases (gnomAD no frequency). This variant has not been reported in the literature in individuals affected with TMEM127-related conditions. ClinVar contains an entry for this variant (Variation ID: 821649). An algorithm developed to predict the effect of missense changes on protein structure and function (PolyPhen-2) suggests that this variant is likely to be tolerated. In summary, the available evidence is currently insufficient to determine the role of this variant in disease. Therefore, it has been classified as a Variant of Uncertain Significance.

Ambry Genetics
Classification: Uncertain significance for Hereditary cancer-predisposing syndrome. Last evaluated: 2024-09-23. Review status: criteria provided, single submitter. Criteria: Ambry Variant Classification Scheme 2023. Collection method: clinical testing. Allele origin: germline.
Comment: The p.T89I variant (also known as c.266C>T), located in coding exon 2 of the TMEM127 gene, results from a C to T substitution at nucleotide position 266. The threonine at codon 89 is replaced by isoleucine, an amino acid with similar properties. This amino acid position is highly conserved in available vertebrate species. In addition, this alteration is predicted to be tolerated by in silico analysis. Since supporting evidence is limited at this time, the clinical significance of this alteration remains unclear.

Fulgent Genetics
Classification: Uncertain significance for Pheochromocytoma. Last evaluated: 2022-04-08. Review status: criteria provided, single submitter. Criteria: ACMG Guidelines, 2015. Collection method: clinical testing. Allele origin: unknown.

NM_017849.4(TMEM127):c.266C>T (p.Thr89Ile)

Gene: TMEM127 (transmembrane protein 127; minus strand). Cytogenetic location: 2q11.2.
Variant type: single nucleotide variant.
Coding change: c.266C>T on transcript NM_017849.4 (MANE Select); coding-DNA position 266, C replaced by T.
Protein change: p.Thr89Ile; replaces threonine 89 with isoleucine.
Molecular consequence: missense variant.
Genome position (GRCh38, 1-based): chr2:96,254,976, G>A on the plus strand (C>T on the coding strand, the complement: TMEM127 is on the minus strand). VCF-style: chr2-96254976-G-A. GRCh37 (hg19) VCF-style: chr2-96920714-G-A.
Other names: c.266C>T, p.Thr89Ile (NM_001193304.3); short protein forms T89I.
Identifiers: ClinVar variation 821649 (VCV000821649.14), dbSNP rs876658430, ClinGen allele CA52413173.
Genomic context (GRCh38, chr2:96,254,976, plus strand): 5'-GAGAGACTACACAGGATGCCCAGGAAACAGAAGGCGGCGATGACCCGCAGGAGCAGCACT[G>A]TCTGGGGATTCATGCAGAAATCTGTAGAGGGAGAACCAAATTTTCACGGCCCCAAGTAAC-3'
Protein context (NP_060319.1, residues 79-99): LLKDFCMNPQ[Thr89Ile]VLLLRVIAAF